The following is an entry in ClinVar:

NM_000255.4(MMUT):c.974G>A (p.Gly325Asp)

Gene: MMUT (methylmalonyl-CoA mutase; minus strand). Cytogenetic location: 6p12.3.
Variant type: single nucleotide variant.
Coding change: c.974G>A on transcript NM_000255.4 (MANE Select); coding-DNA position 974, G replaced by A.
Protein change: p.Gly325Asp; replaces glycine 325 with aspartic acid.
Molecular consequence: missense variant.
Genome position (GRCh38, 1-based): chr6:49,453,694, C>T on the plus strand (G>A on the coding strand, the complement: MMUT is on the minus strand). VCF-style: chr6-49453694-C-T. GRCh37 (hg19) VCF-style: chr6-49421407-C-T.
Other names: short protein forms G325D.
Identifiers: ClinVar variation 222925 (VCV000222925.3), dbSNP rs879253837, ClinGen allele CA10575872.

ClinVar aggregate classification (germline): Conflicting classifications of pathogenicity. Review status: criteria provided, conflicting classifications (1 of 4 stars). 2 submissions from 2 submitters: Pathogenic (1); Uncertain significance (1). Last evaluated 2025-07-14.

Conditions:
Methylmalonic aciduria due to methylmalonyl-CoA mutase deficiency (MAMM). Also called: Methylmalonic aciduria, mut type. Identifiers: Orphanet 27, MedGen C1855114, MONDO:0009612, OMIM 251000.

Submissions (2):

Women's Health and Genetics/Laboratory Corporation of America, LabCorp
Classification: Uncertain significance. Last evaluated: 2025-07-14. Review status: criteria provided, single submitter. Criteria: LabCorp Variant Classification Summary - May 2015. Collection method: clinical testing. Allele origin: germline.
Comment: Variant summary: MMUT c.974G>A (p.Gly325Asp) results in a non-conservative amino acid change in the encoded protein sequence. Algorithms developed to predict the effect of missense changes on protein structure and function all suggest that this variant is likely to be disruptive. The variant was absent in 251200 control chromosomes. c.974G>A has been observed in individual(s) affected with Methylmalonic Acidemia (example: Forny_2016). These data indicate that the variant may be associated with disease. To our knowledge, no experimental evidence demonstrating an impact on protein function has been reported. The following publication has been ascertained in the context of this evaluation (PMID: 27167370). ClinVar contains an entry for this variant (Variation ID: 222925). Based on the evidence outlined above, the variant was classified as VUS-possibly pathogenic.

University Children's Hospital, University of Zurich
Classification: Pathogenic for Methylmalonic aciduria due to methylmalonyl-CoA mutase deficiency. Review status: criteria provided, single submitter. Criteria: Forny et al. (Hum Mutat. 2016). Collection method: clinical testing. Allele origin: germline. Inheritance: Autosomal recessive inheritance. Affected: yes.

Literature cited by the submitters: PubMed 27167370 (cited by Women's Health and Genetics/Laboratory Corporation of America, LabCorp); PubMed 25736335 (cited by University Children's Hospital, University of Zurich).